The following is an entry in ClinVar:

ClinVar aggregate classification (germline): Pathogenic (1 of 4 stars; one submission).

Submission:

Labcorp Genetics (formerly Invitae), Labcorp
Classification: Pathogenic. Last evaluated: 2024-11-11. Review status: criteria provided, single submitter. Criteria: Invitae Variant Classification Sherloc (09022015). Collection method: clinical testing. Allele origin: germline.
Comment: This sequence change creates a premature translational stop signal (p.Leu8Tyrfs*22) in the LYRM7 gene. It is expected to result in an absent or disrupted protein product. Loss-of-function variants in LYRM7 are known to be pathogenic (PMID: 26912632). This variant is not present in population databases (gnomAD no frequency). This variant has not been reported in the literature in individuals affected with LYRM7-related conditions. ClinVar contains an entry for this variant (Variation ID: 1907936). For these reasons, this variant has been classified as Pathogenic.

Literature cited by the submitters: PubMed 26912632.

NM_181705.4(LYRM7):c.23del (p.Leu8fs)

Gene: LYRM7 (LYR motif containing 7; plus strand). Cytogenetic location: 5q23.3.
Variant type: Deletion.
Coding change: c.23del on transcript NM_181705.4 (MANE Select); coding-DNA position 23, one base deleted (T; older notation c.23delT).
Protein change: p.Leu8fs; shifts the reading frame from leucine 8.
Molecular consequence: frameshift variant. On other transcripts: non-coding transcript variant (1).
Genome position (GRCh38, 1-based): chr5:131,180,099, T deleted; the last of 4 consecutive T bases (chr5:131,180,096-131,180,099); deleting any one gives the same sequence. VCF-style (leftmost placement, unchanged base first): chr5-131180095-GT-G. GRCh37 (hg19) VCF-style: chr5-130515788-GT-G.
Other names: c.23del, p.Leu8fs (NM_001293735.2); short protein forms L8fs.
Identifiers: ClinVar variation 1907936 (VCV001907936.5), dbSNP rs1755666734, ClinGen allele CA1081540365.